The following is an entry in ClinVar:

NM_174878.3(CLRN1):c.190G>C (p.Gly64Arg)

Gene: CLRN1 (clarin 1; minus strand). Cytogenetic location: 3q25.1.
Variant type: single nucleotide variant.
Coding change: c.190G>C on transcript NM_174878.3 (MANE Select); coding-DNA position 190, G replaced by C.
Protein change: p.Gly64Arg; replaces glycine 64 with arginine.
Molecular consequence: missense variant. On other transcripts: non-coding transcript variant (1).
Genome position (GRCh38, 1-based): chr3:150,972,519, C>G on the plus strand (G>C on the coding strand, the complement: CLRN1 is on the minus strand). VCF-style: chr3-150972519-C-G. GRCh37 (hg19) VCF-style: chr3-150690306-C-G.
Other names: c.190G>C, p.Gly64Arg (NM_001195794.1, NM_001256819.2); c.190G>C (NM_174878.2); short protein forms G64R.
Identifiers: ClinVar variation 1966493 (VCV001966493.8), dbSNP rs1380661508, ClinGen allele CA355011865.

ClinVar aggregate classification (germline): Pathogenic/Likely pathogenic. Review status: criteria provided, multiple submitters, no conflicts (2 of 4 stars). 4 submissions from 4 submitters: Pathogenic (1); Likely pathogenic (3). Last evaluated 2025-12-29.

Conditions:
Retinitis pigmentosa 61 (RP61). Identifiers: Orphanet 791, MedGen C3280041, MONDO:0013610, OMIM 614180.
Usher syndrome type 3. Also called: Usher Syndrome, Type III. Identifiers: Orphanet 231183, MedGen C1568248, MONDO:0016485.
CLRN1-related disorder. Also called: CLRN1-related condition.

Allele frequency attached by ClinVar (database versions not stated): TOPMed below 0.00001.

Submissions (4):

Natera, Inc.
Classification: Likely pathogenic for Usher syndrome type 3. Last evaluated: 2025-12-29. Review status: criteria provided, single submitter. Criteria: Natera Variant Classification Schema (03/2026). Collection method: clinical testing. Allele origin: germline.
Comment: The c.190G>C variant in CLRN1 is a missense variant predicted to cause substitution of glycine to arginine at amino acid 64. This variant is rare in the general population with a frequency below the threshold expected for the associated phenotype(s). Another variant at this same site results in an alteration predicted to cause a similar molecular effect has been observed in individual(s) with the associated phenotype. Computational prediction algorithms indicate this variant is likely to affect gene or protein function. Given the available evidence, this variant is classified as Likely Pathogenic.

Baylor Genetics
Classification: Likely pathogenic for Retinitis pigmentosa 61. Last evaluated: 2024-03-16. Review status: criteria provided, single submitter. Criteria: ACMG Guidelines, 2015. Collection method: clinical testing. Allele origin: unknown.

Labcorp Genetics (formerly Invitae), Labcorp
Classification: Pathogenic. Last evaluated: 2023-03-09. Review status: criteria provided, single submitter. Criteria: Invitae Variant Classification Sherloc (09022015). Collection method: clinical testing. Allele origin: germline.
Comment: For these reasons, this variant has been classified as Pathogenic. This variant disrupts the p.Gly64 amino acid residue in CLRN1. Other variant(s) that disrupt this residue have been determined to be pathogenic (PMID: 26338283). This suggests that this residue is clinically significant, and that variants that disrupt this residue are likely to be disease-causing. An algorithm developed to predict the effect of missense changes on protein structure and function (PolyPhen-2) suggests that this variant is likely to be disruptive. ClinVar contains an entry for this variant (Variation ID: 1966493). A different variant (c.190G>A) giving rise to the same protein effect has been determined to be pathogenic (PMID: 25472526, 26338283). This suggests that this variant is also likely to be causative of disease. This variant is present in population databases (no rsID available, gnomAD 0.002%). This sequence change replaces glycine, which is neutral and non-polar, with arginine, which is basic and polar, at codon 64 of the CLRN1 protein (p.Gly64Arg).

Blueprint Genetics
Classification: Likely pathogenic for CLRN1-related disorders. Last evaluated: 2021-12-28. Review status: criteria provided, single submitter. Criteria: ACMG Guidelines, 2015. Collection method: clinical testing. Allele origin: germline. Affected: yes. Observed: 1 variant allele.

Literature cited by the submitters: PubMed 26338283 (cited by Labcorp Genetics (formerly Invitae), Labcorp); PubMed 25472526 (cited by Labcorp Genetics (formerly Invitae), Labcorp).